The following is an entry in ClinVar:

ClinVar aggregate classification (germline): Uncertain significance (1 of 4 stars; one submission).

Conditions:
Diffuse cerebral and cerebellar atrophy - intractable seizures - progressive microcephaly syndrome. Also called: Microcephaly, progressive, with seizures and cerebral and cerebellar atrophy. Identifiers: Orphanet 404437, MedGen C4014239, MONDO:0014335, OMIM 615760.

Submission:

Labcorp Genetics (formerly Invitae), Labcorp
Classification: Uncertain significance for Diffuse cerebral and cerebellar atrophy - intractable seizures - progressive microcephaly syndrome. Last evaluated: 2024-02-05. Review status: criteria provided, single submitter. Criteria: Invitae Variant Classification Sherloc (09022015). Collection method: clinical testing. Allele origin: germline.
Comment: This sequence change replaces arginine, which is basic and polar, with glycine, which is neutral and non-polar, at codon 68 of the QARS protein (p.Arg68Gly). This variant is not present in population databases (gnomAD no frequency). This variant has not been reported in the literature in individuals affected with QARS-related conditions. ClinVar contains an entry for this variant (Variation ID: 2007089). Advanced modeling of protein sequence and biophysical properties (such as structural, functional, and spatial information, amino acid conservation, physicochemical variation, residue mobility, and thermodynamic stability) has been performed at Invitae for this missense variant, however the output from this modeling did not meet the statistical confidence thresholds required to predict the impact of this variant on QARS protein function. In summary, the available evidence is currently insufficient to determine the role of this variant in disease. Therefore, it has been classified as a Variant of Uncertain Significance.

NM_005051.3(QARS1):c.202C>G (p.Arg68Gly)

Gene: QARS1 (glutaminyl-tRNA synthetase 1; minus strand). Cytogenetic location: 3p21.31.
Variant type: single nucleotide variant.
Coding change: c.202C>G on transcript NM_005051.3 (MANE Select); coding-DNA position 202, C replaced by G.
Protein change: p.Arg68Gly; replaces arginine 68 with glycine.
Molecular consequence: missense variant. On other transcripts: non-coding transcript variant (1).
Genome position (GRCh38, 1-based): chr3:49,104,387, G>C on the plus strand (C>G on the coding strand, the complement: QARS1 is on the minus strand). VCF-style: chr3-49104387-G-C. GRCh37 (hg19) VCF-style: chr3-49141820-G-C.
Other names: c.202C>G, p.Arg68Gly (NM_001272073.2); short protein forms R68G.
Identifiers: ClinVar variation 2007089 (VCV002007089.4), dbSNP rs755738224, ClinGen allele CA352722694.